The following is an entry in ClinVar:

NM_003737.4(DCHS1):c.1591A>T (p.Thr531Ser)

Gene: DCHS1 (dachsous cadherin-related 1; minus strand). Cytogenetic location: 11p15.4.
Variant type: single nucleotide variant.
Coding change: c.1591A>T on transcript NM_003737.4 (MANE Select); coding-DNA position 1591, A replaced by T.
Protein change: p.Thr531Ser; replaces threonine 531 with serine.
Molecular consequence: missense variant.
Genome position (GRCh38, 1-based): chr11:6,640,023, T>A on the plus strand (A>T on the coding strand, the complement: DCHS1 is on the minus strand). VCF-style: chr11-6640023-T-A. GRCh37 (hg19) VCF-style: chr11-6661254-T-A.
Other names: short protein forms T531S.
Identifiers: ClinVar variation 3253416 (VCV003253416.1), dbSNP rs1589960091.
Genomic context (GRCh38, chr11:6,640,023, plus strand): 5'-TGGCCACCACAATCAGCTGTGGCTGAGGTTCCAACTCATAGTCCAGTGAGGCAGCCGTAG[T>A]GATAATGCCTGAGGTGGGGTCAATGGAGAACCAGTGGGTGTGGGCGCCAGGGGCTAGGCT-3'
Protein context (NP_003728.1, residues 521-541): FSIDPTSGII[Thr531Ser]TAASLDYELE

ClinVar aggregate classification (germline): Uncertain significance (1 of 4 stars; one submission).

Submission:

GeneDx
Classification: Uncertain significance. Last evaluated: 2023-12-07. Review status: criteria provided, single submitter. Criteria: GeneDx Variant Classification Process June 2021. Collection method: clinical testing. Allele origin: germline. Affected: yes.
Comment: Not observed at significant frequency in large population cohorts (gnomAD); In silico analysis supports that this missense variant does not alter protein structure/function; Has not been previously published as pathogenic or benign to our knowledge